The following is an entry in ClinVar:

ClinVar aggregate classification (germline): Uncertain significance (1 of 4 stars; one submission).

Allele frequency attached by ClinVar (database versions not stated): TOPMed below 0.00001; ExAC 0.00001; gnomAD 0.00001; gnomAD exomes 0.00001; ESP Exome Variant Server 0.00008.
gnomAD v4.1: 15 of 1,613,748 alleles (0.00093%); highest among the groups gnomAD compares: Non-Finnish European, 0.0013%; no homozygotes.

Submission:

Labcorp Genetics (formerly Invitae), Labcorp
Classification: Uncertain significance. Last evaluated: 2022-07-11. Review status: criteria provided, single submitter. Criteria: Invitae Variant Classification Sherloc (09022015). Collection method: clinical testing. Allele origin: germline.
Comment: This sequence change replaces phenylalanine, which is neutral and non-polar, with leucine, which is neutral and non-polar, at codon 257 of the SLC24A5 protein (p.Phe257Leu). This variant is present in population databases (rs141831999, gnomAD 0.007%). This variant has not been reported in the literature in individuals affected with SLC24A5-related conditions. Algorithms developed to predict the effect of missense changes on protein structure and function output the following: SIFT: "Tolerated"; PolyPhen-2: "Benign"; Align-GVGD: "Class C0". The leucine amino acid residue is found in multiple mammalian species, which suggests that this missense change does not adversely affect protein function. In summary, the available evidence is currently insufficient to determine the role of this variant in disease. Therefore, it has been classified as a Variant of Uncertain Significance.

NM_205850.3(SLC24A5):c.769T>C (p.Phe257Leu)

Genes: MYEF2 (myelin expression factor 2; minus strand), SLC24A5 (solute carrier family 24 member 5; plus strand). Cytogenetic location: 15q21.1.
Variant type: single nucleotide variant.
Coding change: c.769T>C on transcript NM_205850.3 (MANE Select); coding-DNA position 769, T replaced by C.
Protein change: p.Phe257Leu; replaces phenylalanine 257 with leucine.
Molecular consequence: missense variant. On other transcripts: 3 prime UTR variant (2).
Genome position (GRCh38, 1-based): chr15:48,136,861, T>C. VCF-style: chr15-48136861-T-C. GRCh37 (hg19) VCF-style: chr15-48429058-T-C.
Other names: c.*6047A>G (NM_001301210.2, NM_016132.5); short protein forms F257L.
Identifiers: ClinVar variation 1927928 (VCV001927928.2), dbSNP rs141831999, ClinGen allele CA7545956.
Genomic context (GRCh38, chr15:48,136,861, plus strand): 5'-AAAGCTATGGAGAGAAGTGAACAACAGCCACTGATGGGCTGGGAAGATGAAGGTCAACCA[T>C]TCATTCGTCGGCAATCAAGAACTGATAGTGGAATATTTTATGAAGATTCTGGCTACTCTC-3'
Protein context (NP_995322.1, residues 247-267): LMGWEDEGQP[Phe257Leu]IRRQSRTDSG